The following is an entry in ClinVar:

ClinVar aggregate classification (germline): Pathogenic/Likely pathogenic. Review status: criteria provided, multiple submitters, no conflicts (2 of 4 stars). 6 submissions from 6 submitters: Pathogenic (5); Likely pathogenic (1). Last evaluated 2025-09-12.

Conditions:
PMM2-congenital disorder of glycosylation. Also called: PMM2-CDG; Congenital disorder of glycosylation, type Ia; CDG Ia; JAEKEN SYNDROME; PHOSPHOMANNOMUTASE 2 DEFICIENCY; CARBOHYDRATE-DEFICIENT GLYCOPROTEIN SYNDROME, TYPE Ia. Identifiers: Orphanet 79318, MedGen C0349653, MONDO:0008907, OMIM 212065.

Allele frequency attached by ClinVar (database versions not stated): TOPMed below 0.00001; gnomAD exomes 0.00001 and 0.00002; ExAC 0.00002.
gnomAD v4.1: 19 of 1,613,534 alleles (0.0012%); highest among the groups gnomAD compares: East Asian, 0.022%; no homozygotes.

Submissions (6):

Natera, Inc.
Classification: Pathogenic for Congenital disorder of glycosylation type 1a. Last evaluated: 2025-09-12. Review status: criteria provided, single submitter. Criteria: Natera Variant Classification Schema (03/2026). Collection method: clinical testing. Allele origin: germline.
Comment: The c.580C>T variant in PMM2 is a nonsense variant predicted to introduce a stop codon at amino acid 194. This variant is expected to result in nonsense mediated decay, truncation, or a dysfunctional protein product. This variant is rare in the general population with a frequency below the threshold expected for the associated phenotype(s). This variant has been observed in one or more individuals affected with the associated recessive disease, as either homozygous or compound heterozygous with a second variant (PMID: 13129599). Given the available evidence, this variant is classified as Pathogenic.

Labcorp Genetics (formerly Invitae), Labcorp
Classification: Pathogenic for PMM2-congenital disorder of glycosylation. Last evaluated: 2025-04-14. Review status: criteria provided, single submitter. Criteria: Invitae Variant Classification Sherloc (09022015). Collection method: clinical testing. Allele origin: germline.
Comment: This sequence change creates a premature translational stop signal (p.Arg194*) in the PMM2 gene. It is expected to result in an absent or disrupted protein product. Loss-of-function variants in PMM2 are known to be pathogenic (PMID: 19862844). This variant is present in population databases (rs199562225, gnomAD 0.02%). This premature translational stop signal has been observed in individual(s) with congenital disorder of glycosylation type Ia (PMID: 13129599, 25681648). ClinVar contains an entry for this variant (Variation ID: 225443). For these reasons, this variant has been classified as Pathogenic.

Fulgent Genetics
Classification: Pathogenic for PMM2-congenital disorder of glycosylation. Last evaluated: 2024-06-06. Review status: criteria provided, single submitter. Criteria: ACMG Guidelines, 2015. Collection method: clinical testing. Allele origin: germline.

3billion
Classification: Pathogenic for PMM2-congenital disorder of glycosylation. Last evaluated: 2022-01-03. Review status: criteria provided, single submitter. Criteria: ACMG Guidelines, 2015. Collection method: clinical testing. Allele origin: germline. Affected: yes. Observed: 1 heterozygote.
Comment: Stop-gained (nonsense): predicted to result in a loss or disruption of normal protein function through nonsense-mediated decay (NMD) or protein truncation. Multiple pathogenic variants are reported downstream of the variant (PVS1_VS). It is observed at an extremely low frequency in the gnomAD v2.1.1 dataset (total allele frequency: 0.000024, PM2_M). The variant has been reported at least twice as pathogenic/likely pathogenic with clinical assertions and evidence for the classification (ClinVar ID: VCV000225443, PMID:13129599). Therefore, this variant is classified as pathogenic according to the recommendation of ACMG/AMP guideline.

Women's Health and Genetics/Laboratory Corporation of America, LabCorp
Classification: Pathogenic for Carbohydrate-deficient glycoprotein syndrome type I. Last evaluated: 2018-05-18. Review status: criteria provided, single submitter. Criteria: LabCorp Variant Classification Summary - May 2015. Collection method: clinical testing. Allele origin: germline.
Comment: Variant summary: PMM2 c.580C>T (p.Arg194X) results in a premature termination codon, predicted to cause a truncation of the encoded protein or absence of the protein due to nonsense mediated decay, which are commonly known mechanisms for disease. The variant was found in the general population at a frequency of 2.4e-05, which is lower than expected for a pathogenic variant in PMM2 causing Congenital Disorder of Glycosylation Type 1a (2.4e-05 vs 0.0056), suggesting that it is not a common polymorphism. The c.580C>T variant has been reported in the literature in individuals with biochemically confirmed Congenital Disorder of Glycosylation Type 1a. These data indicate that the variant is likely to be associated with disease. One clinical diagnostic laboratory has submitted clinical-significance assessments for this variant to ClinVar after 2014 without evidence for independent evaluation. One laboratory classified the variant as pathogenic/likely pathogenic. Based on the evidence outlined above, the variant was classified as pathogenic.

Soonchunhyang University Bucheon Hospital, Soonchunhyang University Medical Center
Classification: Likely pathogenic for PMM2-congenital disorder of glycosylation. Last evaluated: 2016-03-18. Review status: criteria provided, single submitter. Criteria: ACMG Guidelines, 2015. Collection method: reference population. Allele origin: germline. Observed: 1 variant allele.

Literature cited by the submitters: PubMed 13129599 (cited by 5 submitters); PubMed 19862844 (cited by Labcorp Genetics (formerly Invitae), Labcorp); PubMed 25681648 (cited by Labcorp Genetics (formerly Invitae), Labcorp and Women's Health and Genetics/Laboratory Corporation of America, LabCorp); PubMed 18485644 (cited by Women's Health and Genetics/Laboratory Corporation of America, LabCorp); PubMed 28122681 (cited by Women's Health and Genetics/Laboratory Corporation of America, LabCorp).

NM_000303.3(PMM2):c.580C>T (p.Arg194Ter)

Gene: PMM2 (phosphomannomutase 2; plus strand). Cytogenetic location: 16p13.2.
Variant type: single nucleotide variant.
Coding change: c.580C>T on transcript NM_000303.3 (MANE Select); coding-DNA position 580, C replaced by T.
Protein change: p.Arg194Ter; replaces arginine 194 with a stop codon.
Molecular consequence: nonsense.
Genome position (GRCh38, 1-based): chr16:8,813,047, C>T. VCF-style: chr16-8813047-C-T. GRCh37 (hg19) VCF-style: chr16-8906904-C-T.
Other names: short protein forms R194*.
Identifiers: ClinVar variation 225443 (VCV000225443.18), dbSNP rs199562225, ClinGen allele CA7894139.